The following is an entry in ClinVar:

NM_020971.3(SPTBN4):c.4270A>C (p.Lys1424Gln)

Gene: SPTBN4 (spectrin beta, non-erythrocytic 4; plus strand). Cytogenetic location: 19q13.2.
Variant type: single nucleotide variant.
Coding change: c.4270A>C on transcript NM_020971.3 (MANE Select); coding-DNA position 4270, A replaced by C.
Protein change: p.Lys1424Gln; replaces lysine 1424 with glutamine.
Molecular consequence: missense variant.
Genome position (GRCh38, 1-based): chr19:40,534,254, A>C. VCF-style: chr19-40534254-A-C. GRCh37 (hg19) VCF-style: chr19-41040161-A-C.
Other names: c.298A>C, p.Lys100Gln (NM_025213.3); short protein forms K100Q, K1424Q.
Identifiers: ClinVar variation 1723503 (VCV001723503.2), dbSNP rs757376319, ClinGen allele CA9446220.

ClinVar aggregate classification (germline): Uncertain significance (1 of 4 stars; one submission).

Allele frequency attached by ClinVar (database versions not stated): TOPMed below 0.00001; gnomAD exomes 0.00001; ExAC 0.00002.
gnomAD v4.1: 16 of 1,614,164 alleles (0.00099%); highest among the groups gnomAD compares: Middle Eastern, 0.017%; no homozygotes.

Submission:

GeneDx
Classification: Uncertain significance. Last evaluated: 2022-05-12. Review status: criteria provided, single submitter. Criteria: GeneDx Variant Classification Process June 2021. Collection method: clinical testing. Allele origin: germline. Affected: yes.
Comment: Not observed at significant frequency in large population cohorts (gnomAD); In silico analysis supports that this missense variant does not alter protein structure/function; Has not been previously published as pathogenic or benign to our knowledge